The following is an entry in ClinVar:

ClinVar aggregate classification (germline): Pathogenic/Likely pathogenic. Review status: criteria provided, multiple submitters, no conflicts (2 of 4 stars). 2 submissions from 2 submitters: Pathogenic (1); Likely pathogenic (1). Last evaluated 2025-12-10.

Conditions:
Deficiency of UDPglucose-hexose-1-phosphate uridylyltransferase. Also called: GALACTOSE-1-PHOSPHATE URIDYLYLTRANSFERASE DEFICIENCY; GALT deficiency; Galactosemia, classic; Transferase Deficiency Galactosemia; GALACTOSEMIA I. Identifiers: Orphanet 352, Orphanet 79239, MedGen C0268151, MONDO:0009258, OMIM 230400.
Galactosemia. Also called: Galactose intolerance. Identifiers: Orphanet 352, MedGen C0016952, MONDO:0018116, HP:0004919. Disease mechanism: loss of function.

Allele frequency attached by ClinVar (database versions not stated): gnomAD exomes below 0.00001; ExAC 0.00001.

Submissions (2):

Natera, Inc.
Classification: Likely pathogenic for Galactosemia. Last evaluated: 2025-12-10. Review status: criteria provided, single submitter. Criteria: Natera Variant Classification Schema (03/2026). Collection method: clinical testing. Allele origin: germline.
Comment: The c.1054G>C variant in GALT is a missense variant predicted to cause substitution of glutamic acid to glutamine at amino acid 352. This variant is rare in the general population with a frequency below the threshold expected for the associated phenotype(s). This variant has been observed in one or more individuals affected with the associated recessive disease, as either homozygous or compound heterozygous with a second variant (PMID: 34030713). This variant has been identified in one or more affected individuals with a phenotype highly consistent with the associated gene (PMID: 34030713). Computational prediction algorithms indicate this variant is likely to affect gene or protein function. Given the available evidence, this variant is classified as Likely Pathogenic.

Labcorp Genetics (formerly Invitae), Labcorp
Classification: Pathogenic for Deficiency of UDPglucose-hexose-1-phosphate uridylyltransferase. Last evaluated: 2025-11-16. Review status: criteria provided, single submitter. Criteria: Invitae Variant Classification Sherloc (09022015). Collection method: clinical testing. Allele origin: germline.
Comment: This sequence change replaces glutamic acid, which is acidic and polar, with glutamine, which is neutral and polar, at codon 352 of the GALT protein (p.Glu352Gln). This variant is present in population databases (rs762467883, gnomAD 0.0009%). This missense change has been observed in individual(s) with classic galactosemia (PMID: 34030713). In at least one individual the data is consistent with being in trans (on the opposite chromosome) from a pathogenic variant. ClinVar contains an entry for this variant (Variation ID: 2900207). Invitae Evidence Modeling of protein sequence and biophysical properties (such as structural, functional, and spatial information, amino acid conservation, physicochemical variation, residue mobility, and thermodynamic stability) indicates that this missense variant is expected to disrupt GALT protein function with a positive predictive value of 95%. For these reasons, this variant has been classified as Pathogenic.

Literature cited by the submitters: PubMed 34030713 (cited by Natera, Inc. and Labcorp Genetics (formerly Invitae), Labcorp).

NM_000155.4(GALT):c.1054G>C (p.Glu352Gln)

Gene: GALT (galactose-1-phosphate uridylyltransferase; plus strand). Cytogenetic location: 9p13.3.
Variant type: single nucleotide variant.
Coding change: c.1054G>C on transcript NM_000155.4 (MANE Select); coding-DNA position 1054, G replaced by C.
Protein change: p.Glu352Gln; replaces glutamic acid 352 with glutamine.
Molecular consequence: missense variant.
Genome position (GRCh38, 1-based): chr9:34,649,559, G>C. VCF-style: chr9-34649559-G-C. GRCh37 (hg19) VCF-style: chr9-34649556-G-C.
Other names: c.727G>C, p.Glu243Gln (NM_001258332.2); c.1054G>C (NM_000155.3); short protein forms E243Q, E352Q.
Identifiers: ClinVar variation 2900207 (VCV002900207.4), dbSNP rs762467883, ClinGen allele CA5036277.
Genomic context (GRCh38, chr9:34,649,559, plus strand): 5'-GTCCGGAAATTCATGGTTGGCTACGAAATGCTTGCTCAGGCTCAGAGGGACCTCACCCCT[G>C]AGCAGGTCAGGACTCAGAACAGTCTGGCGTCTCCAGACTCTCACATGCAGTATGTGCAGG-3'
Protein context (NP_000146.2, residues 342-362): LAQAQRDLTP[Glu352Gln]QAAERLRALP